The following is an entry in ClinVar:

ClinVar aggregate classification (germline): Benign. Review status: criteria provided, multiple submitters, no conflicts (2 of 4 stars). 6 submissions from 6 submitters: Benign (6). Last evaluated 2026-02-04.

Conditions:
Microcephalic osteodysplastic primordial dwarfism type II (MOPD2). Also called: Microcephalic osteodysplastic primordial dwarfism with tooth abnormalities; MOPD II; OSTEODYSPLASTIC PRIMORDIAL DWARFISM, TYPE II. Identifiers: Orphanet 2637, MedGen C0432246, MONDO:0008872, OMIM 210720.

Allele frequency attached by ClinVar (database versions not stated): ExAC 0.20504; ESP Exome Variant Server 0.25972; gnomAD 0.26029 and 0.26258; gnomAD exomes 0.15662 and 0.19731; TOPMed 0.27034; 1000 Genomes Project 0.31669; 1000 Genomes Project 30x 0.32136.
gnomAD v4.1: 269,795 of 1,613,858 alleles (17%); highest among the groups gnomAD compares: African/African-American, 52%; 29,428 homozygotes.

Submissions (6):

Labcorp Genetics (formerly Invitae), Labcorp
Classification: Benign. Last evaluated: 2026-02-04. Review status: criteria provided, single submitter. Criteria: Invitae Variant Classification Sherloc (09022015). Collection method: clinical testing. Allele origin: germline.

Illumina Laboratory Services, Illumina
Classification: Benign for Microcephalic osteodysplastic primordial dwarfism type II. Last evaluated: 2018-01-12. Review status: criteria provided, single submitter. Criteria: ICSL Variant Classification Criteria 13 December 2019. Collection method: clinical testing. Allele origin: germline.
Comment: This variant was observed in the ICSL laboratory as part of a predisposition screen in an ostensibly healthy population. It had not been previously curated by ICSL or reported in the Human Gene Mutation Database (HGMD: prior to June 1st, 2018), and was therefore a candidate for classification through an automated scoring system. Utilizing variant allele frequency, disease prevalence and penetrance estimates, and inheritance mode, an automated score was calculated to assess if this variant is too frequent to cause the disease. Based on the score and internal cut-off values, a variant classified as benign is not then subjected to further curation. The score for this variant resulted in a classification of benign for this disease.

Eurofins Ntd Llc (ga)
Classification: Benign. Last evaluated: 2016-06-22. Review status: criteria provided, single submitter. Criteria: EGL Classification Definitions 2015. Collection method: clinical testing. Allele origin: germline. Observed: 1 variant allele, 1 homozygote.

GeneDx
Classification: Benign. Last evaluated: 2015-03-03. Review status: criteria provided, single submitter. Criteria: GeneDx Variant Classification Process June 2021. Collection method: clinical testing. Allele origin: germline. Affected: yes.

Genetic Services Laboratory, University of Chicago
Classification: Benign. Last evaluated: 2013-02-08. Review status: criteria provided, single submitter. Criteria: ACMG Guidelines, 2007. Collection method: clinical testing. Allele origin: germline. Inheritance: Autosomal recessive inheritance.

Breakthrough Genomics
Classification: Benign. Review status: criteria provided, single submitter. Criteria: ACMG Guidelines, 2015. Collection method: not provided. Allele origin: germline. Inheritance: Autosomal recessive inheritance. Affected: yes.

NM_006031.6(PCNT):c.2635A>G (p.Thr879Ala)

Gene: PCNT (pericentrin; plus strand). Cytogenetic location: 21q22.3.
Variant type: single nucleotide variant.
Coding change: c.2635A>G on transcript NM_006031.6 (MANE Select); coding-DNA position 2635, A replaced by G.
Protein change: p.Thr879Ala; replaces threonine 879 with alanine.
Molecular consequence: missense variant.
Genome position (GRCh38, 1-based): chr21:46,366,609, A>G. VCF-style: chr21-46366609-A-G. GRCh37 (hg19) VCF-style: chr21-47786524-A-G.
Other names: c.2281A>G, p.Thr761Ala (NM_001315529.2); short protein forms T879A, T761A.
Identifiers: ClinVar variation 159575 (VCV000159575.23), dbSNP rs2839227, ClinGen allele CA172985.